The following is an entry in ClinVar:

ClinVar aggregate classification (germline): Uncertain significance (1 of 4 stars; one submission).

gnomAD v4.1: 52 of 1,605,382 alleles (0.0032%); highest among the groups gnomAD compares: Middle Eastern, 0.016%; no homozygotes.

Submission:

Labcorp Genetics (formerly Invitae), Labcorp
Classification: Uncertain significance. Last evaluated: 2023-10-03. Review status: criteria provided, single submitter. Criteria: Invitae Variant Classification Sherloc (09022015). Collection method: clinical testing. Allele origin: germline.
Comment: This sequence change replaces aspartic acid, which is acidic and polar, with asparagine, which is neutral and polar, at codon 509 of the GRM6 protein (p.Asp509Asn). This variant is present in population databases (rs372835620, gnomAD 0.01%). This variant has not been reported in the literature in individuals affected with GRM6-related conditions. ClinVar contains an entry for this variant (Variation ID: 1416668). Advanced modeling of protein sequence and biophysical properties (such as structural, functional, and spatial information, amino acid conservation, physicochemical variation, residue mobility, and thermodynamic stability) performed at Invitae indicates that this missense variant is not expected to disrupt GRM6 protein function. In summary, the available evidence is currently insufficient to determine the role of this variant in disease. Therefore, it has been classified as a Variant of Uncertain Significance.

NM_000843.4(GRM6):c.1525G>A (p.Asp509Asn)

Genes: GRM6 (glutamate metabotropic receptor 6; minus strand), ZNF454 (zinc finger protein 454; plus strand). Cytogenetic location: 5q35.3.
Variant type: single nucleotide variant.
Coding change: c.1525G>A on transcript NM_000843.4 (MANE Select); coding-DNA position 1525, G replaced by A.
Protein change: p.Asp509Asn; replaces aspartic acid 509 with asparagine.
Molecular consequence: missense variant.
Genome position (GRCh38, 1-based): chr5:178,986,729, C>T on the plus strand (G>A on the coding strand, the complement: GRM6 is on the minus strand). VCF-style: chr5-178986729-C-T. GRCh37 (hg19) VCF-style: chr5-178413730-C-T.
Other names: short protein forms D509N.
Identifiers: ClinVar variation 1416668 (VCV001416668.5), dbSNP rs372835620, ClinGen allele CA3594009.